The following is an entry in ClinVar:

ClinVar aggregate classification (germline): Uncertain significance (1 of 4 stars; one submission).

Allele frequency attached by ClinVar (database versions not stated): ExAC 0.00001; gnomAD exomes 0.00001.
gnomAD v4.1: 3 of 1,614,162 alleles (0.00019%); highest among the groups gnomAD compares: Admixed American, 0.005%; no homozygotes.

Submission:

Ambry Genetics
Classification: Uncertain significance. Last evaluated: 2023-10-12. Review status: criteria provided, single submitter. Criteria: Ambry Variant Classification Scheme 2023. Collection method: clinical testing. Allele origin: germline.
Comment: The p.T1065A variant (also known as c.3193A>G), located in coding exon 4 of the ALPK2 gene, results from an A to G substitution at nucleotide position 3193. The threonine at codon 1065 is replaced by alanine, an amino acid with similar properties. This amino acid position is conserved. In addition, this alteration is predicted to be tolerated by in silico analysis. Since supporting evidence is limited at this time, the clinical significance of this alteration remains unclear.

NM_052947.4(ALPK2):c.3193A>G (p.Thr1065Ala)

Gene: ALPK2 (alpha kinase 2; minus strand). Cytogenetic location: 18q21.31.
Variant type: single nucleotide variant.
Coding change: c.3193A>G on transcript NM_052947.4 (MANE Select); coding-DNA position 3193, A replaced by G.
Protein change: p.Thr1065Ala; replaces threonine 1065 with alanine.
Molecular consequence: missense variant.
Genome position (GRCh38, 1-based): chr18:58,536,994, T>C on the plus strand (A>G on the coding strand, the complement: ALPK2 is on the minus strand). VCF-style: chr18-58536994-T-C. GRCh37 (hg19) VCF-style: chr18-56204226-T-C.
Other names: short protein forms T1065A.
Identifiers: ClinVar variation 1728692 (VCV001728692.2), dbSNP rs778630334, ClinGen allele CA8976945.